The following is an entry in ClinVar:

NM_024312.5(GNPTAB):c.3602G>A (p.Trp1201Ter)

Gene: GNPTAB (N-acetylglucosamine-1-phosphate transferase subunits alpha and beta; minus strand). Cytogenetic location: 12q23.2.
Variant type: single nucleotide variant.
Coding change: c.3602G>A on transcript NM_024312.5 (MANE Select); coding-DNA position 3602, G replaced by A.
Protein change: p.Trp1201Ter; replaces tryptophan 1201 with a stop codon.
Molecular consequence: nonsense.
Genome position (GRCh38, 1-based): chr12:101,753,372, C>T on the plus strand (G>A on the coding strand, the complement: GNPTAB is on the minus strand). VCF-style: chr12-101753372-C-T. GRCh37 (hg19) VCF-style: chr12-102147150-C-T.
Other names: short protein forms W1201*.
Identifiers: ClinVar variation 917835 (VCV000917835.7), dbSNP rs1952850511, ClinGen allele CA386292109.

ClinVar aggregate classification (germline): Pathogenic/Likely pathogenic. Review status: criteria provided, multiple submitters, no conflicts (2 of 4 stars). 3 submissions from 3 submitters: Pathogenic (1); Likely pathogenic (1). 1 of the submissions does not count toward it. Last evaluated 2025-09-26.

Conditions:
GNPTAB-mucolipidosis. Also called: UDP-N-acetylglucosamine-1-phosphotransferase subunit alpha/beta deficiency. Identifiers: MedGen CN322573, MONDO:0100122.
Mucolipidosis type II. Also called: Mucolipidosis II Alpha/Beta; ML II ALPHA/BETA; Mucolipidosis 2; ML 2; Inclusion cell disease; Leroy Disease. Identifiers: Orphanet 576, MedGen C2673377, MONDO:0009650, OMIM 252500.
Pseudo-Hurler polydystrophy. Also called: MUCOLIPIDOSIS IIIA; ML III; ML III ALPHA/BETA; Type III Mucolipidosis; Mucolipidosis III Alpha/Beta; ML IIIA. Identifiers: Orphanet 423461, Orphanet 577, MedGen C0033788, MONDO:0018931, OMIM 252600.

Allele frequency attached by ClinVar (database versions not stated): gnomAD exomes below 0.00001.

Submissions (3):

Labcorp Genetics (formerly Invitae), Labcorp
Classification: Pathogenic for Pseudo-Hurler polydystrophy; Mucolipidosis type II. Last evaluated: 2025-09-26. Review status: criteria provided, single submitter. Criteria: Invitae Variant Classification Sherloc (09022015). Collection method: clinical testing. Allele origin: germline.
Comment: This sequence change creates a premature translational stop signal (p.Trp1201*) in the GNPTAB gene. It is expected to result in an absent or disrupted protein product. Loss-of-function variants in GNPTAB are known to be pathogenic (PMID: 19617216, 25107912). This variant is not present in population databases (gnomAD no frequency). This premature translational stop signal has been observed in individual(s) with mucolipidosis (PMID: 2651481, 30882951). ClinVar contains an entry for this variant (Variation ID: 917835). Algorithms developed to predict the effect of sequence changes on RNA splicing suggest that this variant may disrupt the consensus splice site. For these reasons, this variant has been classified as Pathogenic.

Myriad Genetics, Inc.
Classification: Likely pathogenic for GNPTAB-mucolipidosis. Last evaluated: 2019-02-26. Review status: criteria provided, single submitter. Criteria: Myriad Autosomal Dominant, Autosomal Recessive and X-Linked Classification Criteria (2023). Collection method: clinical testing. Allele origin: unknown.
Comment: NM_024312.4(GNPTAB):c.3602G>A(W1201*) is expected to be pathogenic in the context of GNPTAB-related disorders. This variant is predicted to lead to an abnormal or absent protein product due to the creation of a premature termination codon in GNPTAB, a gene where loss-of-function variants are known to be pathogenic. Please note: this variant was assessed in the context of healthy population screening.

Diagnostics Division, CENTRE FOR DNA FINGERPRINTING AND DIAGNOSTICS
Classification: Pathogenic for Mucolipidosis type II; Pseudo-Hurler polydystrophy. Last evaluated: 2019-01-01. Review status: no assertion criteria provided. Collection method: research. Allele origin: germline. Affected: yes. Observed: 1 variant allele. Not counted in ClinVar's aggregate classification.

Literature cited by the submitters: PubMed 19617216 (cited by Labcorp Genetics (formerly Invitae), Labcorp); PubMed 25107912 (cited by Labcorp Genetics (formerly Invitae), Labcorp); PubMed 2651481 (cited by Labcorp Genetics (formerly Invitae), Labcorp); PubMed 30882951 (cited by Labcorp Genetics (formerly Invitae), Labcorp).